The following is an entry in ClinVar:

NM_007294.4(BRCA1):c.2857T>G (p.Cys953Gly)

Gene: BRCA1 (BRCA1 DNA repair associated; minus strand). Cytogenetic location: 17q21.31.
Variant type: single nucleotide variant.
Coding change: c.2857T>G on transcript NM_007294.4 (MANE Select); coding-DNA position 2857, T replaced by G.
Protein change: p.Cys953Gly; replaces cysteine 953 with glycine.
Molecular consequence: missense variant. On other transcripts: intron variant (137).
Genome position (GRCh38, 1-based): chr17:43,092,674, A>C on the plus strand (T>G on the coding strand, the complement: BRCA1 is on the minus strand). VCF-style: chr17-43092674-A-C. GRCh37 (hg19) VCF-style: chr17-41244691-A-C.
Other names: c.2734T>G, p.Cys912Gly (NM_001407683.1, NM_001407648.1, NM_001407664.1 and 19 more transcripts); c.644-1642T>G (NM_001408463.1, NM_001408470.1, NM_001408464.1 and 3 more transcripts); c.2857T>G, p.Cys953Gly (NM_001407684.1, NM_001407581.1, NM_001407582.1 and 30 more transcripts); c.524-1642T>G (NM_001408499.1, NM_001408498.1, NM_001408501.1 and 3 more transcripts); c.2731T>G, p.Cys911Gly (NM_001407685.1, NM_001407686.1, NM_001407687.1 and 11 more transcripts); c.671-1642T>G (NM_001408422.1, NM_001408418.1, NM_001408423.1 and 2 more transcripts); c.707-1642T>G (NM_001408416.1, NM_001408413.1); c.578-1642T>G (NM_001408484.1, NM_001408478.1, NM_001408481.1 and 9 more transcripts); and 41 more; short protein forms C825G, C865G, C883G, C927G, C952G, C785G, C826G, C841G.
Identifiers: ClinVar variation 3261498 (VCV003261498.1).

ClinVar aggregate classification (germline): Uncertain significance (1 of 4 stars; one submission).

Conditions:
Hereditary cancer-predisposing syndrome. Also called: Hereditary Cancer Syndrome; Tumor predisposition; Hereditary neoplastic syndrome; Neoplastic Syndromes, Hereditary. Identifiers: Orphanet 140162, MedGen C0027672, MeSH D009386, MONDO:0015356.

Submission:

Ambry Genetics
Classification: Uncertain significance for Hereditary cancer-predisposing syndrome. Last evaluated: 2024-06-09. Review status: criteria provided, single submitter. Criteria: Ambry Variant Classification Scheme 2023. Collection method: clinical testing. Allele origin: germline.
Comment: The p.C953G variant (also known as c.2857T>G), located in coding exon 9 of the BRCA1 gene, results from a T to G substitution at nucleotide position 2857. The cysteine at codon 953 is replaced by glycine, an amino acid with highly dissimilar properties. This amino acid position is conserved. In addition, the in silico prediction for this alteration is inconclusive. Based on the available evidence, the clinical significance of this variant remains unclear.